The following is an entry in ClinVar:

ClinVar aggregate classification (germline): Uncertain significance (1 of 4 stars; one submission).

Conditions:
Dyskeratosis congenita. Identifiers: Orphanet 1775, MedGen C0265965, MONDO:0015780.

Submission:

Ambry Genetics
Classification: Uncertain significance for Dyskeratosis congenita. Last evaluated: 2026-06-24. Review status: criteria provided, single submitter. Criteria: Ambry Variant Classification Scheme 2023. Collection method: clinical testing. Allele origin: germline.
Comment: The p.V873L variant (also known as c.2617G>C), located in coding exon 10 of the TERT gene, results from a G to C substitution at nucleotide position 2617. The valine at codon 873 is replaced by leucine, an amino acid with highly similar properties. This amino acid position is conserved. In addition, the in silico prediction for this alteration is inconclusive. Based on the available evidence, the clinical significance of this variant remains unclear.

NM_198253.3(TERT):c.2617G>C (p.Val873Leu)

Gene: TERT (telomerase reverse transcriptase; minus strand). Cytogenetic location: 5p15.33.
Variant type: single nucleotide variant.
Coding change: c.2617G>C on transcript NM_198253.3 (MANE Select); coding-DNA position 2617, G replaced by C.
Protein change: p.Val873Leu; replaces valine 873 with leucine.
Molecular consequence: missense variant. On other transcripts: non-coding transcript variant (2).
Genome position (GRCh38, 1-based): chr5:1,266,501, C>G on the plus strand (G>C on the coding strand, the complement: TERT is on the minus strand). VCF-style: chr5-1266501-C-G. GRCh37 (hg19) VCF-style: chr5-1266616-C-G.
Other names: c.2617G>C, p.Val873Leu (NM_001193376.3); short protein forms V873L.
Identifiers: ClinVar variation 5030638 (VCV005030638.1).